The following is an entry in ClinVar:

NM_001042492.3(NF1):c.587-3C>A

Gene: NF1 (neurofibromin 1; plus strand). Cytogenetic location: 17q11.2.
Variant type: single nucleotide variant.
Coding change: c.587-3C>A on transcript NM_001042492.3 (MANE Select); 3 bases into the intron before coding-DNA position 587, C replaced by A.
Molecular consequence: intron variant.
Genome position (GRCh38, 1-based): chr17:31,181,419, C>A. VCF-style: chr17-31181419-C-A. GRCh37 (hg19) VCF-style: chr17-29508437-C-A.
Other names: c.587-3C>A (NM_000267.4, NM_001128147.3).
Identifiers: ClinVar variation 1013131 (VCV001013131.39), dbSNP rs375188075, ClinGen allele CA2255541933.

ClinVar aggregate classification (germline): Likely pathogenic. Review status: criteria provided, multiple submitters, no conflicts (2 of 4 stars). 2 submissions from 2 submitters: Likely pathogenic (2). Last evaluated 2025-04-21.

Conditions:
Neurofibromatosis, type 1 (NF1). Also called: Peripheral type neurofibromatosis; Neurofibromatosis, type I; VON RECKLINGHAUSEN DISEASE; NEUROFIBROMATOSIS, TYPE I, SOMATIC. Identifiers: Orphanet 636, MedGen C0027831, MONDO:0018975, OMIM 162200. Disease mechanism: loss of function.

Submissions (2):

Labcorp Genetics (formerly Invitae), Labcorp
Classification: Likely pathogenic for Neurofibromatosis, type 1. Last evaluated: 2025-04-21. Review status: criteria provided, single submitter. Criteria: Invitae Variant Classification Sherloc (09022015). Collection method: clinical testing. Allele origin: germline.
Comment: This sequence change falls in intron 5 of the NF1 gene. It does not directly change the encoded amino acid sequence of the NF1 protein. RNA analysis indicates that this variant induces altered splicing and may result in an absent or altered protein product. This variant is not present in population databases (gnomAD no frequency). This variant has been observed in individual(s) with neurofibromatosis type 1 (PMID: 9783703). ClinVar contains an entry for this variant (Variation ID: 1013131). Variants that disrupt the consensus splice site are a relatively common cause of aberrant splicing (PMID: 17576681, 9536098). Studies have shown that this variant results in skipping of exon 6, and produces a non-functional protein and/or introduces a premature termination codon (PMID: 9783703). In summary, the currently available evidence indicates that the variant is pathogenic, but additional data are needed to prove that conclusively. Therefore, this variant has been classified as Likely Pathogenic.

CeGaT Center for Human Genetics Tuebingen
Classification: Likely pathogenic. Last evaluated: 2020-09-01. Review status: criteria provided, single submitter. Criteria: CeGaT Center For Human Genetics Tuebingen Variant Classification Criteria Version 2. Collection method: clinical testing. Allele origin: germline. Affected: yes. Observed: 1 variant allele.

Literature cited by the submitters: PubMed 9783703 (cited by Labcorp Genetics (formerly Invitae), Labcorp); PubMed 17576681 (cited by Labcorp Genetics (formerly Invitae), Labcorp); PubMed 9536098 (cited by Labcorp Genetics (formerly Invitae), Labcorp).